The following is an entry in ClinVar:

ClinVar aggregate classification (germline): Uncertain significance (1 of 4 stars; one submission).

Submission:

Labcorp Genetics (formerly Invitae), Labcorp
Classification: Uncertain significance. Last evaluated: 2024-08-28. Review status: criteria provided, single submitter. Criteria: Invitae Variant Classification Sherloc (09022015). Collection method: clinical testing. Allele origin: germline.
Comment: This sequence change affects codon 732 of the KMT2E mRNA. It is a 'silent' change, meaning that it does not change the encoded amino acid sequence of the KMT2E protein. This variant also falls at the last nucleotide of exon 17, which is part of the consensus splice site for this exon. This variant is not present in population databases (gnomAD no frequency). This variant has not been reported in the literature in individuals affected with KMT2E-related conditions. Variants that disrupt the consensus splice site are a relatively common cause of aberrant splicing (PMID: 17576681, 9536098). Algorithms developed to predict the effect of sequence changes on RNA splicing suggest that this variant may disrupt the consensus splice site. In summary, the available evidence is currently insufficient to determine the role of this variant in disease. Therefore, it has been classified as a Variant of Uncertain Significance.

Literature cited by the submitters: PubMed 17576681; PubMed 9536098.

NM_182931.3(KMT2E):c.2196G>A (p.Lys732=)

Gene: KMT2E (lysine methyltransferase 2E (inactive); plus strand). Cytogenetic location: 7q22.3.
Variant type: single nucleotide variant.
Coding change: c.2196G>A on transcript NM_182931.3 (MANE Select); coding-DNA position 2196, G replaced by A.
Protein change: p.Lys732=; no amino-acid change (lysine 732 retained).
Molecular consequence: synonymous variant.
Genome position (GRCh38, 1-based): chr7:105,102,194, G>A. VCF-style: chr7-105102194-G-A. GRCh37 (hg19) VCF-style: chr7-104742641-G-A.
Other names: c.2196G>A, p.Lys732= (NM_001410908.1, NM_018682.4).
Identifiers: ClinVar variation 3663803 (VCV003663803.2).
Genomic context (GRCh38, chr7:105,102,194, plus strand): 5'-TACTGAAACTGAAGTTCCAGCACTTAATAAATGTCCTACCAAGTACCCCAAAACAAAGAA[G>A]GTATGATTCTAATGAATGTAAGAACTGTTTTTCTAACAGTTTCTTATATTAATTATATTG-3'
Protein context (NP_891847.1, residues 722-742): KCPTKYPKTK[Lys732=]HLVNEWLSEK